The following is an entry in ClinVar:

NM_002637.4(PHKA1):c.199C>G (p.Arg67Gly)

Gene: PHKA1 (phosphorylase kinase regulatory subunit alpha 1; minus strand). Cytogenetic location: Xq13.1.
Variant type: single nucleotide variant.
Coding change: c.199C>G on transcript NM_002637.4 (MANE Select); coding-DNA position 199, C replaced by G.
Protein change: p.Arg67Gly; replaces arginine 67 with glycine.
Molecular consequence: missense variant.
Genome position (GRCh38, 1-based): chrX:72,712,817, G>C on the plus strand (C>G on the coding strand, the complement: PHKA1 is on the minus strand). VCF-style: chrX-72712817-G-C. GRCh37 (hg19) VCF-style: chrX-71932659-G-C.
Other names: c.199C>G, p.Arg67Gly (NM_001122670.2, NM_001172436.2); short protein forms R67G.
Identifiers: ClinVar variation 2726439 (VCV002726439.3), dbSNP rs148540646, ClinGen allele CA10451093.

ClinVar aggregate classification (germline): Uncertain significance (1 of 4 stars; one submission).

Conditions:
Glycogen storage disease IXd (GSD9D). Also called: Muscle Phosphorylase Kinase Deficiency; GSD IXd. Identifiers: Orphanet 715, MedGen C1845151, MONDO:0010362, OMIM 300559.

gnomAD v4.1: 38 of 1,207,228 alleles (0.0031%); highest among the groups gnomAD compares: Non-Finnish European, 0.0041%; no homozygotes.

Submission:

Labcorp Genetics (formerly Invitae), Labcorp
Classification: Uncertain significance for Glycogen storage disease IXd. Last evaluated: 2022-12-02. Review status: criteria provided, single submitter. Criteria: Invitae Variant Classification Sherloc (09022015). Collection method: clinical testing. Allele origin: germline.
Comment: In summary, the available evidence is currently insufficient to determine the role of this variant in disease. Therefore, it has been classified as a Variant of Uncertain Significance. Advanced modeling of protein sequence and biophysical properties (such as structural, functional, and spatial information, amino acid conservation, physicochemical variation, residue mobility, and thermodynamic stability) performed at Invitae indicates that this missense variant is expected to disrupt PHKA1 protein function. This variant has not been reported in the literature in individuals affected with PHKA1-related conditions. This variant is present in population databases (rs148540646, gnomAD 0.004%). This sequence change replaces arginine, which is basic and polar, with glycine, which is neutral and non-polar, at codon 67 of the PHKA1 protein (p.Arg67Gly).